The following is an entry in ClinVar:

ClinVar aggregate classification (germline): Likely benign (0 of 4 stars; one submission).

Conditions:
FBN2-related disorder. Also called: FBN2-related condition.

Allele frequency attached by ClinVar (database versions not stated): TOPMed below 0.00001.

Submission:

PreventionGenetics, part of Exact Sciences
Classification: Likely benign for FBN2-related condition. Last evaluated: 2021-01-14. Review status: no assertion criteria provided. Collection method: clinical testing. Allele origin: germline.
Comment: This variant is classified as likely benign based on ACMG/AMP sequence variant interpretation guidelines (Richards et al. 2015 PMID: 25741868, with internal and published modifications).

NM_001999.4(FBN2):c.816A>C (p.Gly272=)

Gene: FBN2 (fibrillin 2; minus strand). Cytogenetic location: 5q23.3.
Variant type: single nucleotide variant.
Coding change: c.816A>C on transcript NM_001999.4 (MANE Select); coding-DNA position 816, A replaced by C.
Protein change: p.Gly272=; no amino-acid change (glycine 272 retained).
Molecular consequence: synonymous variant.
Genome position (GRCh38, 1-based): chr5:128,464,734, T>G on the plus strand (A>C on the coding strand, the complement: FBN2 is on the minus strand). VCF-style: chr5-128464734-T-G. GRCh37 (hg19) VCF-style: chr5-127800427-T-G.
Identifiers: ClinVar variation 3030762 (VCV003030762.2), dbSNP rs1754659800, ClinGen allele CA360754645.